The following is an entry in ClinVar:

ClinVar aggregate classification (germline): Uncertain significance (1 of 4 stars; one submission).

Conditions:
Hereditary pancreatitis (PCTT). Also called: Hereditary chronic pancreatitis; PRSS1-Related Hereditary Pancreatitis. Identifiers: Orphanet 676, MedGen C0238339, MONDO:0008185, OMIM 167800.

Allele frequency attached by ClinVar (database versions not stated): gnomAD exomes below 0.00001.
gnomAD v4.1: 1 of 1,614,200 alleles (0.000062%); highest among the groups gnomAD compares: Non-Finnish European, 0.000085%; no homozygotes.

Submission:

Ambry Genetics
Classification: Uncertain significance for Hereditary pancreatitis. Last evaluated: 2024-03-02. Review status: criteria provided, single submitter. Criteria: Ambry Variant Classification Scheme 2023. Collection method: clinical testing. Allele origin: germline.
Comment: The p.G193S variant (also known as c.577G>A), located in coding exon 6 of the CTRC gene, results from a G to A substitution at nucleotide position 577. The glycine at codon 193 is replaced by serine, an amino acid with similar properties. This amino acid position is conserved. In addition, the in silico prediction for this alteration is inconclusive. Based on the available evidence, the clinical significance of this alteration remains unclear.

NM_007272.3(CTRC):c.577G>A (p.Gly193Ser)

Gene: CTRC (chymotrypsin C; plus strand). Cytogenetic location: 1p36.21.
Variant type: single nucleotide variant.
Coding change: c.577G>A on transcript NM_007272.3 (MANE Select); coding-DNA position 577, G replaced by A.
Protein change: p.Gly193Ser; replaces glycine 193 with serine.
Molecular consequence: missense variant.
Genome position (GRCh38, 1-based): chr1:15,444,689, G>A. VCF-style: chr1-15444689-G-A. GRCh37 (hg19) VCF-style: chr1-15771184-G-A.
Other names: short protein forms G193S.
Identifiers: ClinVar variation 3226084 (VCV003226084.1), dbSNP rs2526301403, ClinGen allele CA338567261.